The following is an entry in ClinVar:

NM_000053.4(ATP7B):c.3817C>T (p.Pro1273Ser)

Gene: ATP7B (ATPase copper transporting beta; minus strand). Cytogenetic location: 13q14.3.
Variant type: single nucleotide variant.
Coding change: c.3817C>T on transcript NM_000053.4 (MANE Select); coding-DNA position 3817, C replaced by T.
Protein change: p.Pro1273Ser; replaces proline 1273 with serine.
Molecular consequence: missense variant. On other transcripts: intron variant (1).
Genome position (GRCh38, 1-based): chr13:51,937,562, G>A on the plus strand (C>T on the coding strand, the complement: ATP7B is on the minus strand). VCF-style: chr13-51937562-G-A. GRCh37 (hg19) VCF-style: chr13-52511698-G-A.
Other names: c.3196C>T, p.Pro1066Ser (NM_001005918.3); c.3484C>T, p.Pro1162Ser (NM_001243182.2); c.3583C>T, p.Pro1195Ser (NM_001330578.2, NM_001406527.1, NM_001406528.1); c.3565C>T, p.Pro1189Ser (NM_001330579.2, NM_001406531.1, NM_001406532.1); c.3817C>T, p.Pro1273Ser (NM_001406511.1, NM_001406512.1); c.3811C>T, p.Pro1271Ser (NM_001406513.1); c.3784C>T, p.Pro1262Ser (NM_001406514.1); c.3763C>T, p.Pro1255Ser (NM_001406515.1, NM_001406516.1); and 21 more; short protein forms P1046S, P1057S, P1066S, P1079S, P1109S, P1111S, P1124S, P1130S.
Identifiers: ClinVar variation 3073351 (VCV003073351.1), dbSNP rs1250943420, ClinGen allele CA388021894.

ClinVar aggregate classification (germline): Uncertain significance (1 of 4 stars; one submission).

Conditions:
Wilson disease (WND). Also called: Wilson's disease. Identifiers: Orphanet 905, MedGen C0019202, MONDO:0010200, OMIM 277900. Disease mechanism: loss of function.

Allele frequency attached by ClinVar (database versions not stated): gnomAD exomes below 0.00001; TOPMed below 0.00001; gnomAD 0.00001.
gnomAD v4.1: 2 of 1,614,132 alleles (0.00012%); highest among the groups gnomAD compares: African/African-American, 0.0013%; no homozygotes.

Submission:

All of Us Research Program, National Institutes of Health
Classification: Uncertain significance for Wilson disease. Last evaluated: 2023-09-04. Review status: criteria provided, single submitter. Criteria: ACMG Guidelines, 2015. Collection method: clinical testing. Allele origin: germline. Inheritance: Autosomal recessive inheritance. Observed: 1 variant allele, 1 heterozygote.
Comment: This missense variant replaces proline with serine at codon 1273 of the ATP7B protein. Computational prediction suggests that this variant may have deleterious impact on protein structure and function (internally defined REVEL score threshold >= 0.7, PMID: 27666373). Although functional studies have not been reported for this variant, it alters a conserved proline residue in the Phosphorylation (P) domain of the ATP7B protein (a.a. 1004 - 1031, 1197 - 1312), a highly conserved region that is considered to be important for ATP7B protein function (PMID: 35245129; ClinVar). This variant has been observed in individuals affected with autosomal recessive Wilson disease (PMID: 17272994, 21406212; Kuppala 2009 - DOI: 10.2174/1876517300901010001), including in one individual in the compound heterozygous state with a second pathogenic ATP7B variant (PMID: 17272994, 21406212). This variant has not been identified in the general population by the Genome Aggregation Database (gnomAD). A different missense variant occurring at the same codon, p.Pro1273Leu, is known to cause disease (ClinVar variation ID: 189139), indicating that proline at this position may be important for ATP7B protein function. Although there is a suspicion that this p.Pro1273Ser variant may contribute to disease, the available variant-specific evidence is insufficient to determine the role of this variant in disease conclusively. Therefore, this variant is classified as a Variant of Uncertain Significance.

This study involves interpretation of variants in research participants for the purpose of population health screening. Participant phenotype was not available at the time of variant classification. Additional details can be found in publication PMID: 35346344, PMCID: PMC8962531

Literature cited by the submitters: PubMed 17272994; PubMed 21406212; PubMed 35245129.